The following is an entry in ClinVar:

ClinVar aggregate classification (germline): Conflicting classifications of pathogenicity. Review status: criteria provided, conflicting classifications (1 of 4 stars). 4 submissions from 4 submitters: Uncertain significance (1); Likely benign (3). Last evaluated 2024-01-08.

Conditions:
Inborn genetic diseases. Identifiers: MedGen C0950123, MeSH D030342.
Autosomal recessive limb-girdle muscular dystrophy type 2F (LGMDR6). Also called: Muscular dystrophy limb-girdle with delta-sarcoglyan deficiency; MUSCULAR DYSTROPHY, LIMB-GIRDLE, AUTOSOMAL RECESSIVE 6. Identifiers: Orphanet 219, MedGen C1832525, MONDO:0011028, OMIM 601287. Disease mechanism: Affects gamma-sarcoglycan and also disrupts the integrity of the entire sarcoglycan complex..

Allele frequency attached by ClinVar (database versions not stated): TOPMed 0.00001; gnomAD exomes 0.00002 and 0.00001; gnomAD 0.00001; ExAC 0.00002.
gnomAD v4.1: 16 of 1,613,410 alleles (0.00099%); highest among the groups gnomAD compares: East Asian, 0.0067%; no homozygotes.

Submissions (4):

Labcorp Genetics (formerly Invitae), Labcorp
Classification: Likely benign for Autosomal recessive limb-girdle muscular dystrophy type 2F. Last evaluated: 2024-01-08. Review status: criteria provided, single submitter. Criteria: Invitae Variant Classification Sherloc (09022015). Collection method: clinical testing. Allele origin: germline.

Ambry Genetics
Classification: Likely benign for Inborn genetic diseases. Last evaluated: 2020-03-13. Review status: criteria provided, single submitter. Criteria: Ambry Variant Classification Scheme 2023. Collection method: clinical testing. Allele origin: germline.

GeneDx
Classification: Likely benign. Last evaluated: 2018-06-18. Review status: criteria provided, single submitter. Criteria: GeneDx Variant Classification (06012015). Collection method: clinical testing. Allele origin: germline. Affected: yes.
Comment: This variant is considered likely benign or benign based on one or more of the following criteria: it is a conservative change, it occurs at a poorly conserved position in the protein, it is predicted to be benign by multiple in silico algorithms, and/or has population frequency not consistent with disease.

Eurofins Ntd Llc (ga)
Classification: Uncertain significance. Last evaluated: 2016-01-03. Review status: criteria provided, single submitter. Criteria: EGL Classification Definitions 2015. Collection method: clinical testing. Allele origin: germline. Observed: 1 variant allele, 1 heterozygote.

NM_000337.6(SGCD):c.768G>A (p.Thr256=)

Gene: SGCD (sarcoglycan delta; plus strand). Cytogenetic location: 5q33.3.
Variant type: single nucleotide variant.
Coding change: c.768G>A on transcript NM_000337.6 (MANE Select); coding-DNA position 768, G replaced by A.
Protein change: p.Thr256=; no amino-acid change (threonine 256 retained).
Molecular consequence: synonymous variant.
Genome position (GRCh38, 1-based): chr5:156,759,285, G>A. VCF-style: chr5-156759285-G-A. GRCh37 (hg19) VCF-style: chr5-156186296-G-A.
Other names: c.765G>A, p.Thr255= (NM_001128209.2).
Identifiers: ClinVar variation 285465 (VCV000285465.16), dbSNP rs376141942, ClinGen allele CA3530693.